The following is an entry in ClinVar:

NM_001371986.1(UNC80):c.3020G>A (p.Arg1007His)

Gene: UNC80 (unc-80 homolog, NALCN channel complex subunit; plus strand). Cytogenetic location: 2q34.
Variant type: single nucleotide variant.
Coding change: c.3020G>A on transcript NM_001371986.1 (MANE Select); coding-DNA position 3020, G replaced by A.
Protein change: p.Arg1007His; replaces arginine 1007 with histidine.
Molecular consequence: missense variant.
Genome position (GRCh38, 1-based): chr2:209,834,989, G>A. VCF-style: chr2-209834989-G-A. GRCh37 (hg19) VCF-style: chr2-210699713-G-A.
Other names: c.3020G>A, p.Arg1007His (NM_032504.2); c.3005G>A, p.Arg1002His (NM_182587.4); c.3020G>A (NM_032504.1); short protein forms R1007H, R1002H.
Identifiers: ClinVar variation 1356314 (VCV001356314.4), dbSNP rs202138404, ClinGen allele CA64681376.

ClinVar aggregate classification (germline): Uncertain significance. Review status: criteria provided, multiple submitters, no conflicts (2 of 4 stars). 2 submissions from 2 submitters: Uncertain significance (2). Last evaluated 2024-07-17.

Conditions:
Inborn genetic diseases. Identifiers: MedGen C0950123, MeSH D030342.

Allele frequency attached by ClinVar (database versions not stated): ESP Exome Variant Server 0.00044.
gnomAD v4.1: 227 of 1,550,380 alleles (0.015%); highest among the groups gnomAD compares: Non-Finnish European, 0.018%; no homozygotes.

Submissions (2):

Ambry Genetics
Classification: Uncertain significance for Inborn genetic diseases. Last evaluated: 2024-07-17. Review status: criteria provided, single submitter. Criteria: Ambry Variant Classification Scheme 2023. Collection method: clinical testing. Allele origin: germline.

Labcorp Genetics (formerly Invitae), Labcorp
Classification: Uncertain significance. Last evaluated: 2022-08-15. Review status: criteria provided, single submitter. Criteria: Invitae Variant Classification Sherloc (09022015). Collection method: clinical testing. Allele origin: germline.
Comment: This sequence change replaces arginine, which is basic and polar, with histidine, which is basic and polar, at codon 1007 of the UNC80 protein (p.Arg1007His). This variant is present in population databases (rs202138404, gnomAD 0.01%). This variant has not been reported in the literature in individuals affected with UNC80-related conditions. ClinVar contains an entry for this variant (Variation ID: 1356314). Algorithms developed to predict the effect of missense changes on protein structure and function are either unavailable or do not agree on the potential impact of this missense change (SIFT: "Not Available"; PolyPhen-2: "Benign"; Align-GVGD: "Not Available"). In summary, the available evidence is currently insufficient to determine the role of this variant in disease. Therefore, it has been classified as a Variant of Uncertain Significance.